The following is an entry in ClinVar:

ClinVar aggregate classification (germline): Pathogenic. Review status: reviewed by expert panel (3 of 4 stars). 8 submissions from 8 submitters: Pathogenic (1). 7 of the submissions do not count toward it. Last evaluated 2016-09-08.

Conditions:
BRCA1-related cancer predisposition. Identifiers: MedGen CN377757, MONDO:0700268.
Hereditary cancer-predisposing syndrome. Also called: Hereditary neoplastic syndrome; Neoplastic Syndromes, Hereditary; Tumor predisposition; Hereditary Cancer Syndrome. Identifiers: Orphanet 140162, MedGen C0027672, MeSH D009386, MONDO:0015356.
Hereditary breast ovarian cancer syndrome. Also called: BRCA1- and BRCA2-Associated Hereditary Breast and Ovarian Cancer; Hereditary breast and ovarian cancer syndrome; Hereditary breast and/or ovarian cancer syndrome; Hereditary breast and ovarian cancer; Hereditary breast and ovarian cancer syndrome (HBOC); Breast and ovarian cancer. Identifiers: Orphanet 145, MedGen C0677776, MeSH D061325, MONDO:0003582. Disease mechanism: loss of function.
Breast-ovarian cancer, familial, susceptibility to, 1 (BROVCA1). Also called: BRCA1 Hereditary Breast and Ovarian Cancer; OVARIAN CANCER, SUSCEPTIBILITY TO. Identifiers: Orphanet 145, MedGen C2676676, MONDO:0011450, OMIM 604370. Disease mechanism: loss of function.

Submissions (8):

Evidence-based Network for the Interpretation of Germline Mutant Alleles (ENIGMA)
Classification: Pathogenic for Breast-ovarian cancer, familial, susceptibility to, 1. Last evaluated: 2016-09-08. Review status: reviewed by expert panel. Criteria: ENIGMA BRCA1/2 Classification Criteria (2015). Collection method: curation. Allele origin: germline.
Comment: Variant allele predicted to encode a truncated non-functional protein.

Hema, HEMA – Genetic and Molecular Diagnostic Laboratory
Classification: Pathogenic for BRCA1-related cancer predisposition. Last evaluated: 2026-09-14. Review status: criteria provided, single submitter. Criteria: HEMA Variant Classification Assertion Criteria. Collection method: clinical testing. Allele origin: germline. Not counted in ClinVar's aggregate classification.
Comment: The variant c.5352dup p.(Gln1785ThrfsTer45) is a duplication of a thymine nucleotide that results in a frameshift in BRCA1. PVS1: Frameshift variant that introduces an exon within the last 50 nucleotides of the penultimate exon, leading to a transcript that escapes nonsense-mediated decay, but affects the BRCT repeats, which are essential for the normal function of BRCA1. PM5_Strong: Variant that introduces a premature stop codon in exon 22 of BRCA1.

Ambry Genetics
Classification: Likely pathogenic for Hereditary cancer-predisposing syndrome. Last evaluated: 2025-12-09. Review status: criteria provided, single submitter. Criteria: Ambry Variant Classification Scheme 2023. Collection method: clinical testing. Allele origin: germline. Not counted in ClinVar's aggregate classification.
Comment: The c.5352dupA variant, located in coding exon 20 of the BRCA1 gene, results from a duplication of A at nucleotide position 5352, causing a translational frameshift with a predicted alternate stop codon (p.Q1785Tfs*45). This alteration occurs at the 3' terminus of the gene, is not expected to trigger nonsense-mediated mRNA decay, and impacts the last 79 amino acids of the protein. However, premature stop codons are typically deleterious in nature and the impacted region is critical for protein function (Ambry internal data). This variant is considered to be rare based on population cohorts in the Genome Aggregation Database (gnomAD). Based on the majority of available evidence to date, this variant is likely to be pathogenic.

Quest Diagnostics Nichols Institute San Juan Capistrano
Classification: Pathogenic. Last evaluated: 2024-10-02. Review status: criteria provided, single submitter. Criteria: Quest Diagnostics criteria. Collection method: clinical testing. Allele origin: unknown. Not counted in ClinVar's aggregate classification.
Comment: The BRCA1 c.5352dup (p.Gln1785Thrfs*45) variant alters the translational reading frame of the BRCA1 mRNA and causes the premature termination of BRCA1 protein synthesis. This variant has been reported in the published literature in an individual with breast cancer (PMID: 33573335 (2021)). This variant has not been reported in large, multi-ethnic general populations (Genome Aggregation Database). Based on the available information, this variant is classified as pathogenic.

Labcorp Genetics (formerly Invitae), Labcorp
Classification: Pathogenic for Hereditary breast ovarian cancer syndrome. Last evaluated: 2023-02-16. Review status: criteria provided, single submitter. Criteria: Invitae Variant Classification Sherloc (09022015). Collection method: clinical testing. Allele origin: germline. Not counted in ClinVar's aggregate classification.
Comment: This variant has not been reported in the literature in individuals affected with BRCA1-related conditions. ClinVar contains an entry for this variant (Variation ID: 125832). This variant disrupts the C-terminal end of the BRCA1 protein partially including the BRCT domain (residues 1646-1859), which is important for DNA repair activity (PMID: 11573086, 14576433, 15133503, 25652403). While functional studies have not been performed to directly test the effect on BRCA1 protein function, this suggests that disruption of the C-terminal portion of the protein is functionally important. A different truncation (p.Tyr1853*) that lies downstream of this variant has been determined to be pathogenic (PMID: 21922593, 10811118, 11739404, 12400015, 7894493, Invitae). This suggests that variants that disrupt this region of the protein are likely to be causative of disease. For these reasons, this variant has been classified as Pathogenic. This variant is not present in population databases (gnomAD no frequency). This sequence change creates a premature translational stop signal (p.Gln1785Thrfs*45) in the BRCA1 gene. While this is not anticipated to result in nonsense mediated decay, it is expected to disrupt the last 79 amino acid(s) of the BRCA1 protein.

Consortium of Investigators of Modifiers of BRCA1/2 (CIMBA), c/o University of Cambridge
Classification: Pathogenic for Breast-ovarian cancer, familial, susceptibility to, 1. Last evaluated: 2015-10-02. Review status: criteria provided, single submitter. Criteria: CIMBA Mutation Classification guidelines May 2016. Collection method: clinical testing. Allele origin: germline. Not counted in ClinVar's aggregate classification.

Research Molecular Genetics Laboratory, Women's College Hospital, University of Toronto
Classification: Pathogenic for Hereditary breast ovarian cancer syndrome. Last evaluated: 2014-01-31. Review status: no assertion criteria provided. Collection method: research. Allele origin: germline. Affected: yes. Study: The Canadian Open Genetics Repository (COGR). Not counted in ClinVar's aggregate classification.

Breast Cancer Information Core (BIC) (BRCA1)
Classification: Pathogenic for Breast-ovarian cancer, familial 1. Last evaluated: 2004-11-25. Review status: no assertion criteria provided. Collection method: clinical testing. Allele origin: germline. Affected: yes. Observed: 1 variant allele. Not counted in ClinVar's aggregate classification.

Literature cited by the submitters: PubMed 33573335 (cited by Quest Diagnostics Nichols Institute San Juan Capistrano); PubMed 27153395 (cited by Quest Diagnostics Nichols Institute San Juan Capistrano); PubMed 11573086 (cited by Labcorp Genetics (formerly Invitae), Labcorp); PubMed 14576433 (cited by Labcorp Genetics (formerly Invitae), Labcorp); PubMed 15133503 (cited by Labcorp Genetics (formerly Invitae), Labcorp); PubMed 25652403 (cited by Labcorp Genetics (formerly Invitae), Labcorp); PubMed 21922593 (cited by Labcorp Genetics (formerly Invitae), Labcorp); PubMed 10811118 (cited by Labcorp Genetics (formerly Invitae), Labcorp); PubMed 11739404 (cited by Labcorp Genetics (formerly Invitae), Labcorp); PubMed 12400015 (cited by Labcorp Genetics (formerly Invitae), Labcorp); PubMed 7894493 (cited by Labcorp Genetics (formerly Invitae), Labcorp).

NM_007294.4(BRCA1):c.5352dup (p.Gln1785fs)

Gene: BRCA1 (BRCA1 DNA repair associated; minus strand). Cytogenetic location: 17q21.31.
Variant type: Duplication.
Coding change: c.5352dup on transcript NM_007294.4 (MANE Select); coding-DNA position 5352, one base duplicated (A; older notation c.5352dupA).
Protein change: p.Gln1785fs; shifts the reading frame from glutamine 1785.
Molecular consequence: frameshift variant. On other transcripts: non-coding transcript variant (1), intron variant (1).
Genome position (GRCh38, 1-based): chr17:43,049,175, T duplicated on the plus strand (A on the coding strand, the reverse complement: BRCA1 is on the minus strand). VCF-style (leftmost placement, unchanged base first): chr17-43049174-G-GT. GRCh37 (hg19) VCF-style: chr17-41201191-G-GT.
Other names: 5471insA; c.5352dupA (NM_007294.3); c.1917dup, p.Gln640Thrfs (NM_001408440.1, NM_001408441.1, NM_001408442.1 and 10 more transcripts); c.1914dup, p.Gln639Thrfs (NM_001408445.1, NM_001408446.1, NM_001408447.1 and 2 more transcripts); c.1908dup, p.Gln637Thrfs (NM_001408451.1); c.1902dup, p.Gln635Thrfs (NM_001408452.1, NM_001408453.1, NM_001408454.1 and 3 more transcripts); c.1899dup, p.Gln634Thrfs (NM_001408458.1, NM_001408459.1, NM_001408460.1 and 7 more transcripts); c.1896dup, p.Gln633Thrfs (NM_001408468.1, NM_001408469.1, NM_001408470.1); and 77 more; short protein forms Q1738fs, Q1785fs, Q1806fs, Q681fs.
Identifiers: ClinVar variation 125832 (VCV000125832.15), dbSNP rs80357744, ClinGen allele CA003518.